The following is an entry in ClinVar:

ClinVar aggregate classification (germline): Uncertain significance. Review status: criteria provided, multiple submitters, no conflicts (2 of 4 stars). 2 submissions from 2 submitters: Uncertain significance (2). Last evaluated 2024-06-06.

Allele frequency attached by ClinVar (database versions not stated): TOPMed 0.00002; gnomAD 0.00003; ExAC 0.00016.
gnomAD v4.1: 75 of 1,597,032 alleles (0.0047%); highest among the groups gnomAD compares: South Asian, 0.058%; no homozygotes.

Submissions (2):

Blueprint Genetics
Classification: Uncertain significance. Last evaluated: 2024-06-06. Review status: criteria provided, single submitter. Criteria: ACMG Guidelines, 2015. Collection method: clinical testing. Allele origin: germline.

Labcorp Genetics (formerly Invitae), Labcorp
Classification: Uncertain significance. Last evaluated: 2022-07-30. Review status: criteria provided, single submitter. Criteria: Invitae Variant Classification Sherloc (09022015). Collection method: clinical testing. Allele origin: germline.
Comment: This sequence change replaces arginine, which is basic and polar, with histidine, which is basic and polar, at codon 599 of the SBF1 protein (p.Arg599His). This variant is present in population databases (rs773556610, gnomAD 0.04%). This variant has not been reported in the literature in individuals affected with SBF1-related conditions. Algorithms developed to predict the effect of missense changes on protein structure and function (SIFT, PolyPhen-2, Align-GVGD) all suggest that this variant is likely to be tolerated. In summary, the available evidence is currently insufficient to determine the role of this variant in disease. Therefore, it has been classified as a Variant of Uncertain Significance.

NM_002972.4(SBF1):c.1796G>A (p.Arg599His)

Gene: SBF1 (SET binding factor 1; minus strand). Cytogenetic location: 22q13.33.
Variant type: single nucleotide variant.
Coding change: c.1796G>A on transcript NM_002972.4 (MANE Select); coding-DNA position 1796, G replaced by A.
Protein change: p.Arg599His; replaces arginine 599 with histidine.
Molecular consequence: missense variant.
Genome position (GRCh38, 1-based): chr22:50,463,386, C>T on the plus strand (G>A on the coding strand, the complement: SBF1 is on the minus strand). VCF-style: chr22-50463386-C-T. GRCh37 (hg19) VCF-style: chr22-50901815-C-T.
Other names: c.1799G>A, p.Arg600His (NM_001365819.1, NM_001410794.1); c.1796G>A, p.Arg599His (NM_001410795.1, NM_197971.1); short protein forms R599H, R600H.
Identifiers: ClinVar variation 2184406 (VCV002184406.3), dbSNP rs773556610, ClinGen allele CA10317515.